The following is an entry in ClinVar:

NM_004260.4(RECQL4):c.2457G>T (p.Gln819His)

Gene: RECQL4 (RecQ like helicase 4; minus strand). Cytogenetic location: 8q24.3.
Variant type: single nucleotide variant.
Coding change: c.2457G>T on transcript NM_004260.4 (MANE Select); coding-DNA position 2457, G replaced by T.
Protein change: p.Gln819His; replaces glutamine 819 with histidine.
Molecular consequence: missense variant. On other transcripts: non-coding transcript variant (3), intron variant (3).
Genome position (GRCh38, 1-based): chr8:144,513,224, C>A on the plus strand (G>T on the coding strand, the complement: RECQL4 is on the minus strand). VCF-style: chr8-144513224-C-A. GRCh37 (hg19) VCF-style: chr8-145738607-C-A.
Other names: c.2457G>T, p.Gln819His (NM_001413019.1, NM_001413036.1); c.2361G>T, p.Gln787His (NM_001413020.1); c.1386G>T, p.Gln462His (NM_001413021.1, NM_001413022.1, NM_001413023.1 and 5 more transcripts); c.2328G>T, p.Gln776His (NM_001413025.1); c.1320G>T, p.Gln440His (NM_001413027.1, NM_001413030.1, NM_001413032.1 and 1 more transcripts); c.2106G>T, p.Gln702His (NM_001413029.1); c.1188G>T, p.Gln396His (NM_001413031.1); c.2325G>T, p.Gln775His (NM_001413033.1); and 7 more; short protein forms Q702H, Q418H, Q775H, Q809H, Q330H, Q452H, Q776H, Q787H.
Identifiers: ClinVar variation 3720706 (VCV003720706.2).

ClinVar aggregate classification (germline): Uncertain significance (1 of 4 stars; one submission).

Conditions:
Baller-Gerold syndrome (BGS). Also called: CRANIOSYNOSTOSIS WITH RADIAL DEFECTS. Identifiers: Orphanet 1225, MedGen C0265308, MONDO:0009039, OMIM 218600.

gnomAD v4.1: 3 of 1,576,438 alleles (0.00019%); highest among the groups gnomAD compares: South Asian, 0.0011%; no homozygotes.

Submission:

Labcorp Genetics (formerly Invitae), Labcorp
Classification: Uncertain significance for Baller-Gerold syndrome. Last evaluated: 2024-10-10. Review status: criteria provided, single submitter. Criteria: Invitae Variant Classification Sherloc (09022015). Collection method: clinical testing. Allele origin: germline.
Comment: This sequence change replaces glutamine, which is neutral and polar, with histidine, which is basic and polar, at codon 819 of the RECQL4 protein (p.Gln819His). This variant is not present in population databases (gnomAD no frequency). This variant has not been reported in the literature in individuals affected with RECQL4-related conditions. Invitae Evidence Modeling of protein sequence and biophysical properties (such as structural, functional, and spatial information, amino acid conservation, physicochemical variation, residue mobility, and thermodynamic stability) indicates that this missense variant is not expected to disrupt RECQL4 protein function with a negative predictive value of 80%. In summary, the available evidence is currently insufficient to determine the role of this variant in disease. Therefore, it has been classified as a Variant of Uncertain Significance.